The following is an entry in ClinVar:

ClinVar aggregate classification (germline): Uncertain significance. Review status: criteria provided, multiple submitters, no conflicts (2 of 4 stars). 2 submissions from 2 submitters: Uncertain significance (2). Last evaluated 2023-09-17.

Conditions:
Ataxia-telangiectasia syndrome (AT). Also called: Ataxia-telangiectasia; LOUIS-BAR SYNDROME; AT, COMPLEMENTATION GROUP C; Ataxia-telangiectasia, complementation group E; Ataxia telangiectasia (A-T); Cerebello-oculocutaneous telangiectasia. Identifiers: Orphanet 100, MedGen C0004135, MONDO:0008840, OMIM 208900.
Hereditary cancer-predisposing syndrome. Also called: Tumor predisposition; Hereditary neoplastic syndrome; Hereditary Cancer Syndrome; Neoplastic Syndromes, Hereditary. Identifiers: Orphanet 140162, MedGen C0027672, MeSH D009386, MONDO:0015356.

Submissions (2):

Ambry Genetics
Classification: Uncertain significance for Hereditary cancer-predisposing syndrome. Last evaluated: 2023-09-17. Review status: criteria provided, single submitter. Criteria: Ambry Variant Classification Scheme 2023. Collection method: clinical testing. Allele origin: germline.
Comment: The p.K331N variant (also known as c.993G>T), located in coding exon 7 of the ATM gene, results from a G to T substitution at nucleotide position 993. The lysine at codon 331 is replaced by asparagine, an amino acid with similar properties. This amino acid position is highly conserved in available vertebrate species. In addition, this alteration is predicted to be tolerated by in silico analysis. Since supporting evidence is limited at this time, the clinical significance of this alteration remains unclear.

Labcorp Genetics (formerly Invitae), Labcorp
Classification: Uncertain significance for Ataxia-telangiectasia syndrome. Last evaluated: 2021-12-04. Review status: criteria provided, single submitter. Criteria: Invitae Variant Classification Sherloc (09022015). Collection method: clinical testing. Allele origin: germline.
Comment: In summary, the available evidence is currently insufficient to determine the role of this variant in disease. Therefore, it has been classified as a Variant of Uncertain Significance. Advanced modeling of protein sequence and biophysical properties (such as structural, functional, and spatial information, amino acid conservation, physicochemical variation, residue mobility, and thermodynamic stability) performed at Invitae indicates that this missense variant is not expected to disrupt ATM protein function. This sequence change replaces lysine, which is basic and polar, with asparagine, which is neutral and polar, at codon 331 of the ATM protein (p.Lys331Asn). This variant has not been reported in the literature in individuals affected with ATM-related conditions. This variant is not present in population databases (gnomAD no frequency).

NM_000051.4(ATM):c.993G>T (p.Lys331Asn)

Gene: ATM (ATM serine/threonine kinase; plus strand). Cytogenetic location: 11q22.3.
Variant type: single nucleotide variant.
Coding change: c.993G>T on transcript NM_000051.4 (MANE Select); coding-DNA position 993, G replaced by T.
Protein change: p.Lys331Asn; replaces lysine 331 with asparagine.
Molecular consequence: missense variant.
Genome position (GRCh38, 1-based): chr11:108,247,055, G>T. VCF-style: chr11-108247055-G-T. GRCh37 (hg19) VCF-style: chr11-108117782-G-T.
Other names: c.993G>T, p.Lys331Asn (NM_001351834.2); short protein forms K331N.
Identifiers: ClinVar variation 1443133 (VCV001443133.8), dbSNP rs786202048, ClinGen allele CA382531296.